The following is an entry in ClinVar:

NM_020975.6(RET):c.1032C>G (p.Gly344=)

Gene: RET (ret proto-oncogene; plus strand). Cytogenetic location: 10q11.21.
Variant type: single nucleotide variant.
Coding change: c.1032C>G on transcript NM_020975.6 (MANE Select); coding-DNA position 1032, C replaced by G.
Protein change: p.Gly344=; no amino-acid change (glycine 344 retained).
Molecular consequence: synonymous variant. On other transcripts: intron variant (25).
Genome position (GRCh38, 1-based): chr10:43,106,540, C>G. VCF-style: chr10-43106540-C-G. GRCh37 (hg19) VCF-style: chr10-43601988-C-G.
Other names: c.1032C>G, p.Gly344= (NM_000323.2, NM_001406743.1, NM_001406744.1 and 6 more transcripts); c.270C>G, p.Gly90= (NM_001355216.2); c.903C>G, p.Gly301= (NM_001406761.1, NM_001406762.1, NM_001406764.1 and 1 more transcripts); c.744C>G, p.Gly248= (NM_001406766.1, NM_001406767.1, NM_001406770.1); c.867+1347C>G (NM_001406772.1, NM_001406769.1); c.626-2491C>G (NM_001406773.1, NM_001406771.1); c.625+3911C>G (NM_001406782.1, NM_001406780.1, NM_001406779.1 and 3 more transcripts); c.738+1347C>G (NM_001406774.1); and 5 more.
Identifiers: ClinVar variation 2454123 (VCV002454123.6), dbSNP rs1211274580, ClinGen allele CA469024007.
Genomic context (GRCh38, chr10:43,106,540, plus strand): 5'-GGCCCAGCAGACCTTCCGGGTGGAACACTGGCCCAACGAGACCTCGGTCCAGGCCAACGG[C>G]AGCTTCGTGCGGGCGACCGTACATGACTATAGTAAGAGGGGCTGGTGGCACGGCCTGGCT-3'
Protein context (NP_066124.1, residues 334-354): WPNETSVQAN[Gly344=]SFVRATVHDY

ClinVar aggregate classification (germline): Likely benign. Review status: criteria provided, multiple submitters, no conflicts (2 of 4 stars). 3 submissions from 3 submitters: Likely benign (3). Last evaluated 2024-06-17.

Conditions:
Multiple endocrine neoplasia, type 2 (MEN2). Identifiers: Orphanet 653, MedGen C4048306, MONDO:0019003. Disease mechanism: gain of function.
Hereditary cancer-predisposing syndrome. Also called: Neoplastic Syndromes, Hereditary; Hereditary neoplastic syndrome; Tumor predisposition; Hereditary Cancer Syndrome. Identifiers: Orphanet 140162, MedGen C0027672, MeSH D009386, MONDO:0015356.

Allele frequency attached by ClinVar (database versions not stated): gnomAD exomes below 0.00001.
gnomAD v4.1: 1 of 1,613,744 alleles (0.000062%); highest among the groups gnomAD compares: Non-Finnish European, 0.000085%; no homozygotes.

Submissions (3):

All of Us Research Program, National Institutes of Health
Classification: Likely benign for Multiple endocrine neoplasia, type 2. Last evaluated: 2024-06-17. Review status: criteria provided, single submitter. Criteria: ACMG Guidelines, 2015. Collection method: clinical testing. Allele origin: germline. Inheritance: Autosomal dominant inheritance. Observed: 1 variant allele, 1 heterozygote.
Comment: This study involves interpretation of variants in research participants for the purpose of population health screening. Participant phenotype was not available at the time of variant classification. Additional details can be found in publication PMID: 35346344, PMCID: PMC8962531

Labcorp Genetics (formerly Invitae), Labcorp
Classification: Likely benign for Multiple endocrine neoplasia, type 2. Last evaluated: 2022-12-20. Review status: criteria provided, single submitter. Criteria: Invitae Variant Classification Sherloc (09022015). Collection method: clinical testing. Allele origin: germline.

Ambry Genetics
Classification: Likely benign for Hereditary cancer-predisposing syndrome. Last evaluated: 2022-11-10. Review status: criteria provided, single submitter. Criteria: Ambry Variant Classification Scheme 2023. Collection method: clinical testing. Allele origin: germline.